The following is an entry in ClinVar:

NM_005535.3(IL12RB1):c.1021+656C>T

Gene: IL12RB1 (interleukin 12 receptor subunit beta 1; minus strand). Cytogenetic location: 19p13.11.
Variant type: single nucleotide variant.
Coding change: c.1021+656C>T on transcript NM_005535.3 (MANE Select); 656 bases into the intron after coding-DNA position 1021, C replaced by T.
Molecular consequence: intron variant.
Genome position (GRCh38, 1-based): chr19:18,071,456, G>A on the plus strand (C>T on the coding strand, the complement: IL12RB1 is on the minus strand). VCF-style: chr19-18071456-G-A. GRCh37 (hg19) VCF-style: chr19-18182266-G-A.
Other names: c.1141+656C>T (NM_001290024.2); c.1021+656C>T (NM_001290023.2); c.1042+656C>T (NM_001440425.1, NM_001440424.1); c.1142-123C>T (NM_001440427.1); c.1163-123C>T (NM_001440426.1); c.1022-123C>T (NM_153701.3).
Identifiers: ClinVar variation 2688426 (VCV002688426.2), dbSNP rs2045386, ClinGen allele CA14637919.

ClinVar aggregate classification (germline): Benign (1 of 4 stars; one submission).

Allele frequency attached by ClinVar (database versions not stated): TOPMed 0.36864; gnomAD 0.38068; 1000 Genomes Project 30x 0.39491; 1000 Genomes Project 0.39637; gnomAD exomes 0.43033.
gnomAD v4.1: 191,439 of 462,620 alleles (41%); highest among the groups gnomAD compares: South Asian, 52%; 40,306 homozygotes.

Submission:

Unidad de Genómica Garrahan, Hospital de Pediatría Garrahan
Classification: Benign. Last evaluated: 2024-01-24. Review status: criteria provided, single submitter. Criteria: ACMG Guidelines, 2015. Collection method: clinical testing. Allele origin: germline. Affected: no. Observed: 39 variant alleles.
Comment: This variant is classified as Benign based on local population frequency. This variant was detected in 44% of patients studied by a panel of primary immunodeficiencies. Number of patients: 39. Only high quality variants are reported.